The following is an entry in ClinVar:

ClinVar aggregate classification (germline): Uncertain significance. Review status: criteria provided, multiple submitters, no conflicts (2 of 4 stars). 4 submissions from 4 submitters: Uncertain significance (4). Last evaluated 2025-09-26.

Conditions:
Inborn genetic diseases. Identifiers: MedGen C0950123, MeSH D030342.

Allele frequency attached by ClinVar (database versions not stated): gnomAD 0.00004; gnomAD exomes 0.00004 and 0.00012; TOPMed 0.00004; ExAC 0.00005.
gnomAD v4.1: 174 of 1,613,264 alleles (0.011%); highest among the groups gnomAD compares: Non-Finnish European, 0.014%; no homozygotes.

Submissions (4):

Ambry Genetics
Classification: Uncertain significance for Inborn genetic diseases. Last evaluated: 2025-09-26. Review status: criteria provided, single submitter. Criteria: Ambry Variant Classification Scheme 2023. Collection method: clinical testing. Allele origin: germline.

GeneDx
Classification: Uncertain significance. Last evaluated: 2025-07-06. Review status: criteria provided, single submitter. Criteria: GeneDx Variant Classification Process June 2021. Collection method: clinical testing. Allele origin: germline. Affected: yes.
Comment: Not observed at significant frequency in large population cohorts (gnomAD); In silico analysis supports that this missense variant has a deleterious effect on protein structure/function; Has not been previously published as pathogenic or benign to our knowledge

Blueprint Genetics
Classification: Uncertain significance. Last evaluated: 2022-10-05. Review status: criteria provided, single submitter. Criteria: ACMG Guidelines, 2015. Collection method: clinical testing. Allele origin: germline.

Breakthrough Genomics
Classification: Uncertain significance. Review status: criteria provided, single submitter. Criteria: ACMG Guidelines, 2015. Collection method: not provided. Allele origin: germline. Inheritance: Autosomal recessive inheritance. Affected: yes.

NM_001377.3(DYNC2H1):c.9262C>T (p.Pro3088Ser)

Gene: DYNC2H1 (dynein cytoplasmic 2 heavy chain 1; plus strand). Cytogenetic location: 11q22.3.
Variant type: single nucleotide variant.
Coding change: c.9262C>T on transcript NM_001377.3 (MANE Select); coding-DNA position 9262, C replaced by T.
Protein change: p.Pro3088Ser; replaces proline 3088 with serine.
Molecular consequence: missense variant.
Genome position (GRCh38, 1-based): chr11:103,222,995, C>T. VCF-style: chr11-103222995-C-T. GRCh37 (hg19) VCF-style: chr11-103093724-C-T.
Other names: c.9262C>T, p.Pro3088Ser (NM_001080463.2); short protein forms P3088S.
Identifiers: ClinVar variation 1327629 (VCV001327629.8), dbSNP rs764931443, ClinGen allele CA6254646.
Genomic context (GRCh38, chr11:103,222,995, plus strand): 5'-ATGTTGAATCACTTCTCATGGATTTTTCAGAATGCTAAGCGTGCCAGTACTGCAGCTGCA[C>T]CTTTGGCTGCCTGGGTGAAAGCCAATATTCAGTATTCCCATGTCTTGGAACGAATTCATC-3'
Protein context (NP_001368.2, residues 3078-3098): NAKRASTAAA[Pro3088Ser]LAAWVKANIQ